The following is an entry in ClinVar:

ClinVar aggregate classification (germline): Uncertain significance (1 of 4 stars; one submission).

Submission:

GeneDx
Classification: Uncertain significance. Last evaluated: 2026-10-02. Review status: criteria provided, single submitter. Criteria: GeneDx Variant Classification Process June 2021. Collection method: clinical testing. Allele origin: germline.
Comment: Not observed at significant frequency in large population cohorts (gnomAD); In silico analysis supports that this missense variant has a deleterious effect on protein structure/function; Has not been previously published as pathogenic or benign to our knowledge

NM_144973.4(DENND5B):c.3097G>A (p.Gly1033Ser)

Gene: DENND5B (DENN domain containing 5B; minus strand). Cytogenetic location: 12p11.21.
Variant type: single nucleotide variant.
Coding change: c.3097G>A on transcript NM_144973.4 (MANE Select); coding-DNA position 3097, G replaced by A.
Protein change: p.Gly1033Ser; replaces glycine 1033 with serine.
Molecular consequence: missense variant.
Genome position (GRCh38, 1-based): chr12:31,398,334, C>T on the plus strand (G>A on the coding strand, the complement: DENND5B is on the minus strand). VCF-style: chr12-31398334-C-T. GRCh37 (hg19) VCF-style: chr12-31551268-C-T.
Other names: c.3202G>A, p.Gly1068Ser (NM_001308339.2); short protein forms G1033S, G1068S.
Identifiers: ClinVar variation 4976212 (VCV004976212.2).